The following is an entry in ClinVar:

NM_020975.6(RET):c.1261C>T (p.Gln421Ter)

Gene: RET (ret proto-oncogene; plus strand). Cytogenetic location: 10q11.21.
Variant type: single nucleotide variant.
Coding change: c.1261C>T on transcript NM_020975.6 (MANE Select); coding-DNA position 1261, C replaced by T.
Protein change: p.Gln421Ter; replaces glutamine 421 with a stop codon.
Molecular consequence: nonsense. On other transcripts: intron variant (18).
Genome position (GRCh38, 1-based): chr10:43,109,228, C>T. VCF-style: chr10-43109228-C-T. GRCh37 (hg19) VCF-style: chr10-43604676-C-T.
Other names: c.499C>T, p.Gln167Ter (NM_001355216.2); c.1261C>T, p.Gln421Ter (NM_001406743.1, NM_001406744.1, NM_001406759.1 and 4 more transcripts); c.1132C>T, p.Gln378Ter (NM_001406761.1, NM_001406762.1, NM_001406764.1 and 1 more transcripts); c.973C>T, p.Gln325Ter (NM_001406766.1, NM_001406767.1, NM_001406770.1); c.823C>T, p.Gln275Ter (NM_001406771.1, NM_001406773.1); c.535C>T, p.Gln179Ter (NM_001406775.1, NM_001406776.1, NM_001406777.1 and 1 more transcripts); c.271C>T, p.Gln91Ter (NM_001406784.1); c.868-1979C>T (NM_001406772.1, NM_001406769.1); and 5 more; short protein forms Q325*, Q167*, Q179*, Q275*, Q421*, Q91*, Q378*.
Identifiers: ClinVar variation 4991943 (VCV004991943.1).

ClinVar aggregate classification (germline): Pathogenic (1 of 4 stars; one submission).

Conditions:
RET-related disorder. Also called: RET-related condition; RET-related disease; RET-related disorders.

Submission:

PreventionGenetics, part of Exact Sciences
Classification: Pathogenic for RET-related condition. Last evaluated: 2025-09-09. Review status: criteria provided, single submitter. Criteria: ACMG Guidelines, 2015. Collection method: clinical testing. Allele origin: germline.
Comment: The RET c.1261C>T variant is predicted to result in premature protein termination (p.Gln421*). This variant has been reported in a fetus with bilateral renal agenesis and in an individual with Hirschsprung disease (Skinner et al. 2008. PubMed ID: 18252215; Carter et al. 2012. PubMed ID: 22648184). This variant has not been reported in a large population database (gnomAD), indicating this variant is rare. Nonsense variants in RET are expected to be pathogenic. This variant is interpreted as pathogenic.